The following is an entry in ClinVar:

NC_000023.10:g.(?_32482683)_(33229429_?)dup

Gene: DMD (dystrophin; minus strand). Cytogenetic location: Xp21.1.
Variant type: Duplication.
Identifiers: ClinVar variation 3242755 (VCV003242755.1).

ClinVar aggregate classification (germline): Uncertain significance (1 of 4 stars; one submission).

Conditions:
Duchenne muscular dystrophy (DMD). Also called: MUSCULAR DYSTROPHY, PSEUDOHYPERTROPHIC PROGRESSIVE, DUCHENNE TYPE; Duchenne Muscular Dystrophy (DMD). Identifiers: Orphanet 98896, MedGen C0013264, MONDO:0010679, OMIM 310200.

Submission:

Labcorp Genetics (formerly Invitae), Labcorp
Classification: Uncertain significance for Duchenne muscular dystrophy. Last evaluated: 2023-06-27. Review status: criteria provided, single submitter. Criteria: Invitae Variant Classification Sherloc (09022015). Collection method: clinical testing. Allele origin: unknown.
Comment: This variant results in a copy number gain of the genomic region encompassing exon(s) 1-24 of the DMD gene. This region includes the initiator codon of the gene. This copy number gain extends beyond the assayed region for this gene and therefore may encompass additional genes. As the precise location of this event is unknown, it may be in tandem or it may be located elsewhere in the genome. In summary, the available evidence is currently insufficient to determine the role of this variant in disease. Therefore, it has been classified as a Variant of Uncertain Significance. This variant has not been reported in the literature in individuals affected with DMD-related conditions.